The following is an entry in ClinVar:

NM_000552.5(VWF):c.5235G>T (p.Trp1745Cys)

Gene: VWF (von Willebrand factor; minus strand). Cytogenetic location: 12p13.31.
Variant type: single nucleotide variant.
Coding change: c.5235G>T on transcript NM_000552.5 (MANE Select); coding-DNA position 5235, G replaced by T.
Protein change: p.Trp1745Cys; replaces tryptophan 1745 with cysteine.
Molecular consequence: missense variant.
Genome position (GRCh38, 1-based): chr12:6,016,592, C>A on the plus strand (G>T on the coding strand, the complement: VWF is on the minus strand). VCF-style: chr12-6016592-C-A. GRCh37 (hg19) VCF-style: chr12-6125758-C-A.
Other names: NM_000552.5(VWF):c.5235G>T; p.Trp1745Cys; short protein forms W1745C.
Identifiers: ClinVar variation 100421 (VCV000100421.3), dbSNP rs267607352, ClinGen allele CA228706.
Genomic context (GRCh38, chr12:6,016,592, plus strand): 5'-TCCCTCCCGCTGCATGACGTCCACAAGGCTCAGCAAATGGGCTTTCTCCGGGACCACGTT[C>A]CATGGCACGTCAATGGTGGTGATGCTTCCATACTGCAGCACTGACACCTGAGTGAGACGA-3'
Protein context (NP_000543.3, residues 1735-1755): YGSITTIDVP[Trp1745Cys]NVVPEKAHLL

ClinVar aggregate classification (germline): Likely pathogenic. Review status: reviewed by expert panel (3 of 4 stars). 3 submissions from 3 submitters: Likely pathogenic (1). 2 of the submissions do not count toward it. Last evaluated 2024-08-13.

Conditions:
von Willebrand disease type 2 (VWD2). Also called: VWD, TYPE 2; VON WILLEBRAND DISEASE, TYPE 2A/IIE; VON WILLEBRAND DISEASE, TYPE 2CB; VON WILLEBRAND DISEASE, TYPE II. Identifiers: Orphanet 166081, Orphanet 903, MedGen C1264040, MONDO:0013304, OMIM 613554.
von Willebrand disease type 2M (VWD2M). Identifiers: Orphanet 166090, MedGen C1282974, MONDO:0015630.

Allele frequency attached by ClinVar (database versions not stated): gnomAD exomes below 0.00001.
gnomAD v4.1: 1 of 1,614,182 alleles (0.000062%); highest among the groups gnomAD compares: Non-Finnish European, 0.000085%; no homozygotes.

Submissions (3):

ClinGen von Willebrand Disease Variant Curation Expert Panel, ClinGen
Classification: Likely pathogenic for von Willebrand disease type 2M. Last evaluated: 2024-08-13. Review status: reviewed by expert panel. Criteria: ClinGen VWD 2A B M Rules. Collection method: curation. Allele origin: germline. Inheritance: Autosomal dominant inheritance.
Comment: NM_000552.5(VWF):c.5235G>T is a missense variant in VWF predicted to cause substitution of tryptophan by cysteine at amino acid 1745 in the collagen-binding A3 domain. The Grpmax filtering allele frequency in gnomAD v4.1 is 0 (based on 1/1180040 alleles in European non-Finnish population), which is lower than the ClinGen VWD VCEP threshold of <0.0001 (PM2_Supporting). The computational predictor REVEL gives a score of 0.757, which is above the ClinGen VWD VCEP threshold of >0.644 and predicts a damaging effect on VWF function (PP3). At least 1 patient with this variant was diagnosed with VWD Type 2M and displayed excessive mucocutaneous bleeding as well as a laboratory phenotype of normal high-MW multimer pattern and abnormal collagen binding assay (Reduced VWF:CB / VWF:Ag ratio of 0.3 VWF to both type III and type I collagen), which together are specific for VWD type 2M. (PP4, PMID: 19687512). However, the patient's VWF:RCo was impaired in proportion to the decreased amount of VWF:Ag, so that VWF:RCo / VWF:Ag ratio was 0.9 (approximately normal). A hydrodynamic mouse model expressing p.Trp1745Cys showed decreased expression of the variant (VWF:Ag), but did not test other parameters relevant to the VWD Type 2M phenotype (Figure 4, PMID: 25051961). Collagen binding assay performed with the p.Trp1745Cys recombinant mutant and wild-type vWF expressed by HEK-293 cells showed decreased binding to both Type I and Type III collagens in an ELISA-based format, indicating that this variant has a damaging effect on protein function (PS3; PMID: 19687512, PMID: 20345715, PMID: 25051961). In summary, this variant meets the criteria to be classified as likely pathogenic for von Willebrand disease type 2M. ACMG/AMP criteria applied as specified by the ClinGen von Willebrand disease Variant Curation Expert Panel: PS3, PP4, PM2_Supporting, PP3.

OMIM
Classification: Pathogenic for VON WILLEBRAND DISEASE, TYPE 2CB. Last evaluated: 2009-10-15. Review status: no assertion criteria provided. Collection method: literature only. Allele origin: germline. Not counted in ClinVar's aggregate classification.

Academic Unit of Haematology, University of Sheffield
No classification provided. Review status: no classification provided. Collection method: not provided. Allele origin: not provided. Not counted in ClinVar's aggregate classification.

Literature cited by the submitters: PubMed 20345715 (cited by ClinGen von Willebrand Disease Variant Curation Expert Panel, ClinGen); PubMed 25051961 (cited by ClinGen von Willebrand Disease Variant Curation Expert Panel, ClinGen); PubMed 19687512 (cited by ClinGen von Willebrand Disease Variant Curation Expert Panel, ClinGen and OMIM).